The following is an entry in ClinVar:

NM_003060.4(SLC22A5):c.43G>A (p.Gly15Arg)

Gene: SLC22A5 (solute carrier family 22 member 5; plus strand). Cytogenetic location: 5q31.1.
Variant type: single nucleotide variant.
Coding change: c.43G>A on transcript NM_003060.4 (MANE Select); coding-DNA position 43, G replaced by A.
Protein change: p.Gly15Arg; replaces glycine 15 with arginine.
Molecular consequence: missense variant.
Genome position (GRCh38, 1-based): chr5:132,370,015, G>A. VCF-style: chr5-132370015-G-A. GRCh37 (hg19) VCF-style: chr5-131705707-G-A.
Other names: c.43G>A, p.Gly15Arg (NM_001308122.2); short protein forms G15R.
Identifiers: ClinVar variation 2825804 (VCV002825804.3), dbSNP rs267607052, ClinGen allele CA360802262.

ClinVar aggregate classification (germline): Likely pathogenic (1 of 4 stars; one submission).

Conditions:
Renal carnitine transport defect (CDSP). Also called: CARNITINE DEFICIENCY, SYSTEMIC, DUE TO DEFECT IN RENAL REABSORPTION OF CARNITINE; CARNITINE TRANSPORTER, PLASMA-MEMBRANE, DEFICIENCY OF; CARNITINE UPTAKE DEFECT; Primary carnitine deficiency; Systemic primary carnitine deficiency; Systemic primary carnitine deficiency disease. Identifiers: Orphanet 158, MedGen C0342788, MONDO:0008919, OMIM 212140.

Submission:

Labcorp Genetics (formerly Invitae), Labcorp
Classification: Likely pathogenic for Renal carnitine transport defect. Last evaluated: 2023-02-16. Review status: criteria provided, single submitter. Criteria: Invitae Variant Classification Sherloc (09022015). Collection method: clinical testing. Allele origin: germline.
Comment: In summary, the currently available evidence indicates that the variant is pathogenic, but additional data are needed to prove that conclusively. Therefore, this variant has been classified as Likely Pathogenic. This variant disrupts the p.Gly15 amino acid residue in SLC22A5. Other variant(s) that disrupt this residue have been determined to be pathogenic (PMID: 20027113, 20574985, 21922592). This suggests that this residue is clinically significant, and that variants that disrupt this residue are likely to be disease-causing. Advanced modeling of protein sequence and biophysical properties (such as structural, functional, and spatial information, amino acid conservation, physicochemical variation, residue mobility, and thermodynamic stability) performed at Invitae indicates that this missense variant is expected to disrupt SLC22A5 protein function. This sequence change replaces glycine, which is neutral and non-polar, with arginine, which is basic and polar, at codon 15 of the SLC22A5 protein (p.Gly15Arg). This variant is not present in population databases (gnomAD no frequency). This variant has not been reported in the literature in individuals affected with SLC22A5-related conditions.

Literature cited by the submitters: PubMed 20027113; PubMed 20574985; PubMed 21922592.